The following is an entry in ClinVar:

NM_001375808.2(LPIN2):c.2237G>A (p.Gly746Asp)

Gene: LPIN2 (lipin 2; minus strand). Cytogenetic location: 18p11.31.
Variant type: single nucleotide variant.
Coding change: c.2237G>A on transcript NM_001375808.2 (MANE Select); coding-DNA position 2237, G replaced by A.
Protein change: p.Gly746Asp; replaces glycine 746 with aspartic acid.
Molecular consequence: missense variant.
Genome position (GRCh38, 1-based): chr18:2,922,137, C>T on the plus strand (G>A on the coding strand, the complement: LPIN2 is on the minus strand). VCF-style: chr18-2922137-C-T. GRCh37 (hg19) VCF-style: chr18-2922135-C-T.
Other names: c.2237G>A, p.Gly746Asp (NM_001375809.1, NM_014646.2); short protein forms G746D.
Identifiers: ClinVar variation 468456 (VCV000468456.9), dbSNP rs1555672260, ClinGen allele CA401697279.
Genomic context (GRCh38, chr18:2,922,137, plus strand): 5'-GACAGCATCAGGGGGCCCCGGGGCAAGATTGTGCCCTTGTCATTGACCCAGTGCAGGTAG[C>T]CACGGGTCATGTCGGCCATGCCGATGGCACGAGCCGAGCAGTACAGAAACTTGTAGCCAT-3'
Protein context (NP_001362737.1, residues 736-756): RAIGMADMTR[Gly746Asp]YLHWVNDKGT

ClinVar aggregate classification (germline): Uncertain significance (1 of 4 stars; one submission).

Conditions:
Majeed syndrome (MJDS). Also called: CHRONIC RECURRENT MULTIFOCAL OSTEOMYELITIS 1, WITH CONGENITAL DYSERYTHROPOIETIC ANEMIA, WITH OR WITHOUT NEUTROPHILIC DERMATOSIS; LPIN2-Related Majeed Syndrome. Identifiers: Orphanet 77297, MedGen C1864997, MONDO:0012316, OMIM 609628.

Submission:

Labcorp Genetics (formerly Invitae), Labcorp
Classification: Uncertain significance for Majeed syndrome. Last evaluated: 2017-08-04. Review status: criteria provided, single submitter. Criteria: Invitae Variant Classification Sherloc (09022015). Collection method: clinical testing. Allele origin: germline.
Comment: In summary, the available evidence is currently insufficient to determine the role of this variant in disease. Therefore, it has been classified as a Variant of Uncertain Significance. Algorithms developed to predict the effect of missense changes on protein structure and function do not agree on the potential impact of this missense change (SIFT: "Tolerated"; PolyPhen-2: "Probably Damaging"; Align-GVGD: "Class C0"). This variant has not been reported in the literature in individuals with LPIN2-related disease. This variant is not present in population databases (ExAC no frequency). This sequence change replaces glycine with aspartic acid at codon 746 of the LPIN2 protein (p.Gly746Asp). The glycine residue is moderately conserved and there is a moderate physicochemical difference between glycine and aspartic acid.